The following is an entry in ClinVar:

ClinVar aggregate classification (germline): Likely pathogenic (1 of 4 stars; one submission).

Conditions:
Familial hypocalciuric hypercalcemia (FHH). Also called: Familial benign hypercalcemia. Identifiers: Orphanet 405, MedGen C1809471, MONDO:0018458.

Submission:

Women's Health and Genetics/Laboratory Corporation of America, LabCorp
Classification: Likely pathogenic for Familial hypocalciuric hypercalcemia. Last evaluated: 2021-10-29. Review status: criteria provided, single submitter. Criteria: LabCorp Variant Classification Summary - May 2015. Collection method: clinical testing. Allele origin: germline.
Comment: Variant summary: CASR c.108delG (p.Leu37SerfsX8) results in a premature termination codon, predicted to cause a truncation of the encoded protein or absence of the protein due to nonsense mediated decay, which are commonly known mechanisms for disease. Truncations downstream of this position have been classified as pathogenic by our laboratory. The variant was absent in 251308 control chromosomes. To our knowledge, no occurrence of c.108delG in individuals affected with Familial Hypocalciuric Hypercalcemia and no experimental evidence demonstrating its impact on protein function have been reported. No clinical diagnostic laboratories have submitted clinical-significance assessments for this variant to ClinVar after 2014. Based on the evidence outlined above, the variant was classified as likely pathogenic.

NM_000388.4(CASR):c.108del (p.Leu37fs)

Gene: CASR (calcium sensing receptor; plus strand). Cytogenetic location: 3q21.1.
Variant type: Deletion.
Coding change: c.108del on transcript NM_000388.4 (MANE Select); coding-DNA position 108, one base deleted (G; older notation c.108delG).
Protein change: p.Leu37fs; shifts the reading frame from leucine 37.
Molecular consequence: frameshift variant.
Genome position (GRCh38, 1-based): chr3:122,254,297, G deleted; the last of 6 consecutive G bases (chr3:122,254,292-122,254,297); deleting any one gives the same sequence. VCF-style (leftmost placement, unchanged base first): chr3-122254291-TG-T. GRCh37 (hg19) VCF-style: chr3-121973138-TG-T.
Other names: c.108del, p.Leu37fs (NM_001178065.2); short protein forms L37fs.
Identifiers: ClinVar variation 1321439 (VCV001321439.1), dbSNP rs886041823, ClinGen allele CA898080489.